The following is an entry in ClinVar:

ClinVar aggregate classification (germline): Uncertain significance (1 of 4 stars; one submission).

Allele frequency attached by ClinVar (database versions not stated): gnomAD exomes below 0.00001; gnomAD 0.00001; TOPMed 0.00001.
gnomAD v4.1: 2 of 1,608,618 alleles (0.00012%); highest among the groups gnomAD compares: Admixed American, 0.0017%; no homozygotes.

Submission:

Labcorp Genetics (formerly Invitae), Labcorp
Classification: Uncertain significance. Last evaluated: 2022-03-19. Review status: criteria provided, single submitter. Criteria: Invitae Variant Classification Sherloc (09022015). Collection method: clinical testing. Allele origin: germline.
Comment: This sequence change replaces isoleucine, which is neutral and non-polar, with methionine, which is neutral and non-polar, at codon 40 of the KIF11 protein (p.Ile40Met). This variant is not present in population databases (gnomAD no frequency). This variant has not been reported in the literature in individuals affected with KIF11-related conditions. ClinVar contains an entry for this variant (Variation ID: 861000). Algorithms developed to predict the effect of missense changes on protein structure and function are either unavailable or do not agree on the potential impact of this missense change (SIFT: "Deleterious"; PolyPhen-2: "Possibly Damaging"; Align-GVGD: "Class C0"). In summary, the available evidence is currently insufficient to determine the role of this variant in disease. Therefore, it has been classified as a Variant of Uncertain Significance.

NM_004523.4(KIF11):c.120A>G (p.Ile40Met)

Gene: KIF11 (kinesin family member 11; plus strand). Cytogenetic location: 10q23.33.
Variant type: single nucleotide variant.
Coding change: c.120A>G on transcript NM_004523.4 (MANE Select); coding-DNA position 120, A replaced by G.
Protein change: p.Ile40Met; replaces isoleucine 40 with methionine.
Molecular consequence: missense variant.
Genome position (GRCh38, 1-based): chr10:92,606,307, A>G. VCF-style: chr10-92606307-A-G. GRCh37 (hg19) VCF-style: chr10-94366064-A-G.
Other names: short protein forms I40M.
Identifiers: ClinVar variation 861000 (VCV000861000.6), dbSNP rs1844430333, ClinGen allele CA377587762.